The following is an entry in ClinVar:

NM_001099271.2(POC5):c.675T>G (p.Ile225Met)

Gene: POC5 (POC5 centriolar protein; minus strand). Cytogenetic location: 5q13.3.
Variant type: single nucleotide variant.
Coding change: c.675T>G on transcript NM_001099271.2 (MANE Select); coding-DNA position 675, T replaced by G.
Protein change: p.Ile225Met; replaces isoleucine 225 with methionine.
Molecular consequence: missense variant.
Genome position (GRCh38, 1-based): chr5:75,694,670, A>C on the plus strand (T>G on the coding strand, the complement: POC5 is on the minus strand). VCF-style: chr5-75694670-A-C. GRCh37 (hg19) VCF-style: chr5-74990495-A-C.
Other names: c.600T>G, p.Ile200Met (NM_152408.3); short protein forms I200M, I225M.
Identifiers: ClinVar variation 1719171 (VCV001719171.5), dbSNP rs2478855577, ClinGen allele CA360147861.
Genomic context (GRCh38, chr5:75,694,670, plus strand): 5'-GACATTTACTGAATCTCAGTTAAAAAGAAATATAAAAAAGAAGACCTCATCTTTTCTCCC[A>C]ATGGAGATTTCAAAGGTTTTTTGCAGCTCCTTCAATTCATTGATCTGATTACACAGTTGT-3'
Protein context (NP_001092741.1, residues 215-235): KELQKTFEIS[Ile225Met]GRKDEVISSL

ClinVar aggregate classification (germline): Uncertain significance (1 of 4 stars; one submission).

Submission:

Labcorp Genetics (formerly Invitae), Labcorp
Classification: Uncertain significance. Last evaluated: 2022-09-10. Review status: criteria provided, single submitter. Criteria: Invitae Variant Classification Sherloc (09022015). Collection method: clinical testing. Allele origin: germline.
Comment: This sequence change replaces isoleucine, which is neutral and non-polar, with methionine, which is neutral and non-polar, at codon 225 of the POC5 protein (p.Ile225Met). This variant is not present in population databases (gnomAD no frequency). In summary, the available evidence is currently insufficient to determine the role of this variant in disease. Therefore, it has been classified as a Variant of Uncertain Significance. Algorithms developed to predict the effect of missense changes on protein structure and function are either unavailable or do not agree on the potential impact of this missense change (SIFT: "Not Available"; PolyPhen-2: "Benign"; Align-GVGD: "Not Available"). This variant has not been reported in the literature in individuals affected with POC5-related conditions.